The following is an entry in ClinVar:

ClinVar aggregate classification (germline): Uncertain significance (1 of 4 stars; one submission).

Conditions:
Dilated cardiomyopathy 1G (CMD1G). Identifiers: Orphanet 154, MedGen C1858763, MONDO:0011400, OMIM 604145.
Autosomal recessive limb-girdle muscular dystrophy type 2J (LGMDR10). Also called: Limb-girdle muscular dystrophy, type 2J; MUSCULAR DYSTROPHY, LIMB-GIRDLE, AUTOSOMAL RECESSIVE 10. Identifiers: Orphanet 140922, MedGen C1837342, MONDO:0012127, OMIM 608807.

Submission:

Labcorp Genetics (formerly Invitae), Labcorp
Classification: Uncertain significance for Dilated cardiomyopathy 1G; Autosomal recessive limb-girdle muscular dystrophy type 2J. Last evaluated: 2021-05-19. Review status: criteria provided, single submitter. Criteria: Invitae Variant Classification Sherloc (09022015). Collection method: clinical testing. Allele origin: germline.
Comment: In summary, the available evidence is currently insufficient to determine the role of this variant in disease. Therefore, it has been classified as a Variant of Uncertain Significance. This variant is located in the Z band of TTN (PMID: 25589632). Variants in this region may be clinically relevant, but have not been definitively shown to cause cardiomyopathy or neuromuscular disease (PMID: 27493940, 32778822). Nucleotide substitutions within the consensus splice site are a relatively common cause of aberrant splicing (PMID: 17576681, 9536098). Algorithms developed to predict the effect of sequence changes on RNA splicing suggest that this variant may disrupt the consensus splice site, but this prediction has not been confirmed by published transcriptional studies. This variant has not been reported in the literature in individuals with TTN-related conditions. This variant is not present in population databases (ExAC no frequency). This sequence change falls in intron 27 of the TTN gene. It does not directly change the encoded amino acid sequence of the TTN protein. It affects a nucleotide within the consensus splice site of the intron.

Literature cited by the submitters: PubMed 25589632; PubMed 27493940; PubMed 32778822; PubMed 17576681; PubMed 9536098.

NM_001267550.2(TTN):c.4814+3A>C

Genes: TTN (titin; minus strand), LOC101927055 (uncharacterized LOC101927055; plus strand). Cytogenetic location: 2q31.2.
Variant type: single nucleotide variant.
Coding change: c.4814+3A>C on transcript NM_001267550.2 (MANE Select); 3 bases into the intron after coding-DNA position 4814, A replaced by C.
Molecular consequence: intron variant. On other transcripts: non-coding transcript variant (1).
Genome position (GRCh38, 1-based): chr2:178,777,146, T>G on the plus strand (A>C on the coding strand, the complement: TTN is on the minus strand). VCF-style: chr2-178777146-T-G. GRCh37 (hg19) VCF-style: chr2-179641873-T-G.
Other names: c.4676+3A>C (NM_003319.4, NM_133437.4, NM_133432.3); c.4814+3A>C (NM_133378.4, NM_001256850.1, NM_133379.5).
Identifiers: ClinVar variation 1492639 (VCV001492639.8), dbSNP rs567197047, ClinGen allele CA430281115.